The following is an entry in ClinVar:

ClinVar aggregate classification (germline): Uncertain significance (1 of 4 stars; one submission).

Conditions:
Hereditary cancer-predisposing syndrome. Also called: Tumor predisposition; Hereditary neoplastic syndrome; Neoplastic Syndromes, Hereditary; Hereditary Cancer Syndrome. Identifiers: Orphanet 140162, MedGen C0027672, MeSH D009386, MONDO:0015356.

Submission:

Labcorp Genetics (formerly Invitae), Labcorp
Classification: Uncertain significance for Hereditary cancer-predisposing syndrome. Last evaluated: 2020-03-03. Review status: criteria provided, single submitter. Criteria: Invitae Variant Classification Sherloc (09022015). Collection method: clinical testing. Allele origin: germline.
Comment: In summary, the available evidence is currently insufficient to determine the role of this variant in disease. Therefore, it has been classified as a Variant of Uncertain Significance. Algorithms developed to predict the effect of missense changes on protein structure and function (SIFT, PolyPhen-2, Align-GVGD) all suggest that this variant is likely to be tolerated, but these predictions have not been confirmed by published functional studies and their clinical significance is uncertain. This variant has not been reported in the literature in individuals with RAD50-related conditions. This variant is not present in population databases (ExAC no frequency). This sequence change replaces valine with alanine at codon 1110 of the RAD50 protein (p.Val1110Ala). The valine residue is moderately conserved and there is a small physicochemical difference between valine and alanine.

NM_005732.4(RAD50):c.3329T>C (p.Val1110Ala)

Gene: RAD50 (RAD50 double strand break repair protein; plus strand). Cytogenetic location: 5q31.1.
Variant type: single nucleotide variant.
Coding change: c.3329T>C on transcript NM_005732.4 (MANE Select); coding-DNA position 3329, T replaced by C.
Protein change: p.Val1110Ala; replaces valine 1110 with alanine.
Molecular consequence: missense variant.
Genome position (GRCh38, 1-based): chr5:132,618,234, T>C. VCF-style: chr5-132618234-T-C. GRCh37 (hg19) VCF-style: chr5-131953926-T-C.
Other names: short protein forms V1110A.
Identifiers: ClinVar variation 1008589 (VCV001008589.9), dbSNP rs1751213441, ClinGen allele CA360964890.
Genomic context (GRCh38, chr5:132,618,234, plus strand): 5'-AAGAACTTCGAGAACCACAATTTCGGGATGCTGAGGAAAAGTATAGAGAAATGATGATTG[T>C]TATGAGGACAACAGAACTTGTGAACAAGGATCTGGATATTTATTATAAGACTCTTGACCA-3'
Protein context (NP_005723.2, residues 1100-1120): AEEKYREMMI[Val1110Ala]MRTTELVNKD